The following is an entry in ClinVar:

NM_002430.3(MN1):c.1626A>G (p.Gln542=)

Gene: MN1 (MN1 proto-oncogene, transcriptional regulator; minus strand). Cytogenetic location: 22q12.1.
Variant type: single nucleotide variant.
Coding change: c.1626A>G on transcript NM_002430.3 (MANE Select); coding-DNA position 1626, A replaced by G.
Protein change: p.Gln542=; no amino-acid change (glutamine 542 retained).
Molecular consequence: synonymous variant.
Genome position (GRCh38, 1-based): chr22:27,798,918, T>C on the plus strand (A>G on the coding strand, the complement: MN1 is on the minus strand). VCF-style: chr22-27798918-T-C. GRCh37 (hg19) VCF-style: chr22-28194906-T-C.
Identifiers: ClinVar variation 2653021 (VCV002653021.24), dbSNP rs934891915, ClinGen allele CA10166363.

ClinVar aggregate classification (germline): Likely benign (1 of 4 stars; one submission).

Allele frequency attached by ClinVar (database versions not stated): ExAC 0.00009; gnomAD 0.00010; gnomAD exomes 0.00018.

Submission:

CeGaT Center for Human Genetics Tuebingen
Classification: Likely benign. Last evaluated: 2026-04-01. Review status: criteria provided, single submitter. Criteria: CeGaT Center For Human Genetics Tuebingen Variant Classification Criteria Version 2. Collection method: clinical testing. Allele origin: germline. Affected: yes. Observed: 4 variant alleles.
Comment: MN1: BP4, BP7